The following is an entry in ClinVar:

ClinVar aggregate classification (germline): Likely benign. Review status: criteria provided, multiple submitters, no conflicts (2 of 4 stars). 3 submissions from 3 submitters: Likely benign (3). Last evaluated 2025-10-04.

Conditions:
Cohen syndrome (COH1). Also called: Cutis verticis gyrata, retinitis pigmentosa, and sensorineural deafness; PEPPER SYNDROME. Identifiers: Orphanet 193, MedGen C0265223, MONDO:0008999, OMIM 216550.
VPS13B-related disorder. Also called: VPS13B-related condition.

Allele frequency attached by ClinVar (database versions not stated): gnomAD exomes below 0.00001; ExAC 0.00001; TOPMed 0.00001; gnomAD 0.00002 and 0.00003.
gnomAD v4.1: 7 of 1,614,020 alleles (0.00043%); highest among the groups gnomAD compares: African/African-American, 0.0093%; no homozygotes.

Submissions (3):

Labcorp Genetics (formerly Invitae), Labcorp
Classification: Likely benign for Cohen syndrome. Last evaluated: 2025-10-04. Review status: criteria provided, single submitter. Criteria: Invitae Variant Classification Sherloc (09022015). Collection method: clinical testing. Allele origin: germline.

PreventionGenetics, part of Exact Sciences
Classification: Likely benign for VPS13B-related condition. Last evaluated: 2025-06-03. Review status: criteria provided, single submitter. Criteria: ACMG Guidelines, 2015. Collection method: clinical testing. Allele origin: germline.
Comment: This variant is classified as likely benign based on ACMG/AMP sequence variant interpretation guidelines (Richards et al. 2015 PMID: 25741868, with internal and published modifications).

Blueprint Genetics
Classification: Likely benign. Last evaluated: 2021-08-03. Review status: criteria provided, single submitter. Criteria: ACMG Guidelines, 2015. Collection method: clinical testing. Allele origin: germline.

NM_152564.5(VPS13B):c.99A>G (p.Gly33=)

Gene: VPS13B (vacuolar protein sorting 13 homolog B; plus strand). Cytogenetic location: 8q22.2.
Variant type: single nucleotide variant.
Coding change: c.99A>G on transcript NM_152564.5 (MANE Select); coding-DNA position 99, A replaced by G.
Protein change: p.Gly33=; no amino-acid change (glycine 33 retained).
Molecular consequence: synonymous variant. On other transcripts: non-coding transcript variant (1).
Genome position (GRCh38, 1-based): chr8:99,013,887, A>G. VCF-style: chr8-99013887-A-G. GRCh37 (hg19) VCF-style: chr8-100026115-A-G.
Other names: c.99A>G, p.Gly33= (NM_015243.3, NM_017890.5, NM_181661.3); c.99A>G (NM_152564.4).
Identifiers: ClinVar variation 1592651 (VCV001592651.10), dbSNP rs775498611, ClinGen allele CA4822280.
Genomic context (GRCh38, chr8:99,013,887, plus strand): 5'-TGTGAATCGCTACATCAAGAACTTAAAGCCGTCGGATCTACAGCTTTCACTATGGGGTGG[A>G]GACGTGGTACTCAGCAAGCTCGAGTTAAAGTTGGATGTGCTGGAACAGGTAAGCTATTTA-3'
Protein context (NP_689777.3, residues 23-43): PSDLQLSLWG[Gly33=]DVVLSKLELK